The following is an entry in ClinVar:

NM_000393.5(COL5A2):c.1354C>T (p.Pro452Ser)

Gene: COL5A2 (collagen type V alpha 2 chain; minus strand). Cytogenetic location: 2q32.2.
Variant type: single nucleotide variant.
Coding change: c.1354C>T on transcript NM_000393.5 (MANE Select); coding-DNA position 1354, C replaced by T.
Protein change: p.Pro452Ser; replaces proline 452 with serine.
Molecular consequence: missense variant.
Genome position (GRCh38, 1-based): chr2:189,068,062, G>A on the plus strand (C>T on the coding strand, the complement: COL5A2 is on the minus strand). VCF-style: chr2-189068062-G-A. GRCh37 (hg19) VCF-style: chr2-189932788-G-A.
Other names: short protein forms P452S.
Identifiers: ClinVar variation 1770665 (VCV001770665.2), dbSNP rs1686191303, ClinGen allele CA349852732.
Genomic context (GRCh38, chr2:189,068,062, plus strand): 5'-CAAAGGTCATTACCGGTTGGCCTCGAATTCCCTGAGGACCAGTGCTACCCTGAGGTCCTG[G>A]AGATCCAGGAGGCCCTGCTGAGCCAGGAGGACCAGAGGTACCTGGAGAGCCCTATTAAAC-3'
Protein context (NP_000384.2, residues 442-462): PPGSAGPPGS[Pro452Ser]GPQGSTGPQG

ClinVar aggregate classification (germline): Uncertain significance (1 of 4 stars; one submission).

Conditions:
Familial thoracic aortic aneurysm and aortic dissection (TAAD). Also called: Thoracic aortic aneurysms and dissections. Identifiers: Orphanet 91387, MedGen C4707243, MONDO:0019625.

Submission:

Ambry Genetics
Classification: Uncertain significance for Familial thoracic aortic aneurysm and aortic dissection. Last evaluated: 2018-05-09. Review status: criteria provided, single submitter. Criteria: Ambry Variant Classification Scheme 2023. Collection method: clinical testing. Allele origin: germline.
Comment: The p.P452S variant (also known as c.1354C>T), located in coding exon 21 of the COL5A2 gene, results from a C to T substitution at nucleotide position 1354. The proline at codon 452 is replaced by serine, an amino acid with similar properties. This amino acid position is well conserved in available vertebrate species. In addition, the in silico prediction for this alteration is inconclusive. Since supporting evidence is limited at this time, the clinical significance of this alteration remains unclear.